The following is an entry in ClinVar:

ClinVar aggregate classification (germline): Uncertain significance. Review status: criteria provided, multiple submitters, no conflicts (2 of 4 stars). 2 submissions from 2 submitters: Uncertain significance (2). Last evaluated 2024-06-26.

Conditions:
Inborn genetic diseases. Identifiers: MedGen C0950123, MeSH D030342.

Allele frequency attached by ClinVar (database versions not stated): ExAC 0.00002; gnomAD exomes 0.00002; TOPMed 0.00002.
gnomAD v4.1: 8 of 1,604,524 alleles (0.0005%); highest among the groups gnomAD compares: Admixed American, 0.0017%; no homozygotes.

Submissions (2):

Ambry Genetics
Classification: Uncertain significance for Inborn genetic diseases. Last evaluated: 2024-06-26. Review status: criteria provided, single submitter. Criteria: Ambry Variant Classification Scheme 2023. Collection method: clinical testing. Allele origin: germline.

Labcorp Genetics (formerly Invitae), Labcorp
Classification: Uncertain significance. Last evaluated: 2023-07-07. Review status: criteria provided, single submitter. Criteria: Invitae Variant Classification Sherloc (09022015). Collection method: clinical testing. Allele origin: germline.
Comment: In summary, the available evidence is currently insufficient to determine the role of this variant in disease. Therefore, it has been classified as a Variant of Uncertain Significance. An algorithm developed to predict the effect of missense changes on protein structure and function (PolyPhen-2) suggests that this variant is likely to be tolerated. ClinVar contains an entry for this variant (Variation ID: 1448369). This variant has not been reported in the literature in individuals affected with BOLA3-related conditions. This variant is present in population databases (rs746179125, gnomAD 0.007%). This sequence change replaces arginine, which is basic and polar, with glutamine, which is neutral and polar, at codon 24 of the BOLA3 protein (p.Arg24Gln).

NM_212552.3(BOLA3):c.71G>A (p.Arg24Gln)

Gene: BOLA3 (bolA family member 3; minus strand). Cytogenetic location: 2p13.1.
Variant type: single nucleotide variant.
Coding change: c.71G>A on transcript NM_212552.3 (MANE Select); coding-DNA position 71, G replaced by A.
Protein change: p.Arg24Gln; replaces arginine 24 with glutamine.
Molecular consequence: missense variant.
Genome position (GRCh38, 1-based): chr2:74,145,287, C>T on the plus strand (G>A on the coding strand, the complement: BOLA3 is on the minus strand). VCF-style: chr2-74145287-C-T. GRCh37 (hg19) VCF-style: chr2-74372414-C-T.
Other names: c.71G>A, p.Arg24Gln (NM_001035505.2); short protein forms R24Q.
Identifiers: ClinVar variation 1448369 (VCV001448369.7), dbSNP rs746179125, ClinGen allele CA322802.